The following is an entry in ClinVar:

NM_000059.4(BRCA2):c.8754+1del

Gene: BRCA2 (BRCA2 DNA repair associated; plus strand). Cytogenetic location: 13q13.1.
Variant type: Deletion.
Coding change: c.8754+1del on transcript NM_000059.4 (MANE Select); the canonical splice donor site of the intron after coding-DNA position 8754, one base deleted (G; older notation c.8754+1delG).
Molecular consequence: splice donor variant.
Genome position (GRCh38, 1-based): chr13:32,376,792, G deleted; the last of 2 consecutive G bases (chr13:32,376,791-32,376,792); deleting either gives the same sequence. VCF-style (leftmost placement, unchanged base first): chr13-32376790-AG-A. GRCh37 (hg19) VCF-style: chr13-32950927-AG-A.
Other names: c.8754+1del (NM_001406720.1); c.8658+1del (NM_001406719.1); c.3822+1del (NM_001406721.1); c.2337+1del (NM_001406722.1).
Identifiers: ClinVar variation 822707 (VCV000822707.4), dbSNP rs1593935041, ClinGen allele CA915946902.

ClinVar aggregate classification (germline): Likely pathogenic (1 of 4 stars; one submission).

Conditions:
Hereditary cancer-predisposing syndrome. Also called: Tumor predisposition; Hereditary Cancer Syndrome; Neoplastic Syndromes, Hereditary; Hereditary neoplastic syndrome. Identifiers: Orphanet 140162, MedGen C0027672, MeSH D009386, MONDO:0015356.

Submission:

Ambry Genetics
Classification: Likely pathogenic for Hereditary cancer-predisposing syndrome. Last evaluated: 2020-03-06. Review status: criteria provided, single submitter. Criteria: Ambry Variant Classification Scheme 2023. Collection method: clinical testing. Allele origin: germline.
Comment: The c.8754+1delG intronic variant, located in intron 20 of the BRCA2 gene, results from a deletion of one nucleotide downstream of coding exon 20 in the BRCA2 gene. This nucleotide position is highly conserved in available vertebrate species. The BDGP splice site prediction tool predicts that this alteration will abolish the native splice donor site, and the ESEfinder splice site prediction tool predicts a significant weakening in the native splice donor site efficiency; however, direct evidence is unavailable. Alterations that disrupt the canonical splice site are expected to cause aberrant splicing, resulting in an abnormal protein or a transcript that is subject to nonsense-mediated mRNA decay. As such, this alteration is classified as likely pathogenic.